The following is an entry in ClinVar:

ClinVar aggregate classification (germline): Uncertain significance (1 of 4 stars; one submission).

Conditions:
Hereditary cancer-predisposing syndrome. Also called: Neoplastic Syndromes, Hereditary; Tumor predisposition; Hereditary Cancer Syndrome; Hereditary neoplastic syndrome. Identifiers: Orphanet 140162, MedGen C0027672, MeSH D009386, MONDO:0015356.

Submission:

Ambry Genetics
Classification: Uncertain significance for Hereditary cancer-predisposing syndrome. Last evaluated: 2026-04-22. Review status: criteria provided, single submitter. Criteria: Ambry Variant Classification Scheme 2023. Collection method: clinical testing. Allele origin: germline.
Comment: The p.F1978L variant (also known as c.5934T>G), located in coding exon 10 of the BRCA2 gene, results from a T to G substitution at nucleotide position 5934. The phenylalanine at codon 1978 is replaced by leucine, an amino acid with highly similar properties. This amino acid position is highly conserved in available vertebrate species. In addition, this alteration is predicted to be deleterious by in silico analysis. Based on the available evidence, the clinical significance of this variant remains unclear.

NM_000059.4(BRCA2):c.5934T>G (p.Phe1978Leu)

Gene: BRCA2 (BRCA2 DNA repair associated; plus strand). Cytogenetic location: 13q13.1.
Variant type: single nucleotide variant.
Coding change: c.5934T>G on transcript NM_000059.4 (MANE Select); coding-DNA position 5934, T replaced by G.
Protein change: p.Phe1978Leu; replaces phenylalanine 1978 with leucine.
Molecular consequence: missense variant. On other transcripts: non-coding transcript variant (1), intron variant (2).
Genome position (GRCh38, 1-based): chr13:32,340,289, T>G. VCF-style: chr13-32340289-T-G. GRCh37 (hg19) VCF-style: chr13-32914426-T-G.
Other names: c.5934T>G, p.Phe1978Leu (NM_001406719.1, NM_001406720.1, NM_001432077.1); c.1910-4269T>G (NM_001406721.1); c.425-4269T>G (NM_001406722.1); short protein forms F1978L.
Identifiers: ClinVar variation 4867832 (VCV004867832.1).